The following is an entry in ClinVar:

NM_005660.3(SLC35A2):c.1058CCTCCG[1] (p.349AS[3])

Gene: SLC35A2 (solute carrier family 35 member A2; minus strand). Cytogenetic location: Xp11.23.
Variant type: Microsatellite.
Coding change: c.1058CCTCCG[1] on transcript NM_005660.3 (MANE Select); one copy of the 6-base unit CCTCCG starting at c.1058; the reference has two copies in a row; one copy, 6 bases deleted.
Protein change: p.349AS[3].
Molecular consequence: inframe deletion.
Genome position (GRCh38, 1-based): chrX:48,904,840-48,904,845, CGGAGG deleted on the plus strand (CCTCCG on the coding strand, the reverse complement: SLC35A2 is on the minus strand); deleting any 6 consecutive bases within chrX:48,904,840-48,904,852 gives the same sequence; the position shown is the placement nearest the transcript's 3' end. VCF-style (leftmost placement, unchanged base first): chrX-48904839-CCGGAGG-C. GRCh37 (hg19) VCF-style: chrX-48762116-CCGGAGG-C.
Other names: c.468CCTCCG[1], p.157LR[1] (NM_001032289.3, NM_001282647.2); c.1058CCTCCG[1], p.349AS[3] (NM_001042498.3); c.396CCTCCG[1], p.133LR[1] (NM_001282648.2); c.875CCTCCG[1], p.288AS[3] (NM_001282649.2); c.1097CCTCCG[1], p.362AS[3] (NM_001282650.2); c.1142CCTCCG[1], p.377AS[3] (NM_001282651.2); c.1064_1069del (NM_001042498.2).
Identifiers: ClinVar variation 412236 (VCV000412236.12), dbSNP rs782439562, ClinGen allele CA10406061.

ClinVar aggregate classification (germline): Benign/Likely benign. Review status: criteria provided, multiple submitters, no conflicts (2 of 4 stars). 2 submissions from 2 submitters: Benign (1); Likely benign (1). Last evaluated 2025-11-09.

Conditions:
SLC35A2-congenital disorder of glycosylation. Also called: SLC35A2-CDG; CONGENITAL DISORDER OF GLYCOSYLATION, TYPE IIm; CDG IIm; CONGENITAL DISORDER OF GLYCOSYLATION, TYPE IIm, SOMATIC MOSAIC; EPILEPTIC ENCEPHALOPATHY, EARLY INFANTILE, 22; DEVELOPMENTAL AND EPILEPTIC ENCEPHALOPATHY 22. Identifiers: Orphanet 356961, MedGen C3806688, MONDO:0010478, OMIM 300896.

Submissions (2):

Labcorp Genetics (formerly Invitae), Labcorp
Classification: Benign for SLC35A2-congenital disorder of glycosylation. Last evaluated: 2025-11-09. Review status: criteria provided, single submitter. Criteria: Invitae Variant Classification Sherloc (09022015). Collection method: clinical testing. Allele origin: germline.

GeneDx
Classification: Likely benign. Last evaluated: 2017-12-27. Review status: criteria provided, single submitter. Criteria: GeneDx Variant Classification (06012015). Collection method: clinical testing. Allele origin: germline. Affected: yes.
Comment: This variant is considered likely benign or benign based on one or more of the following criteria: it is a conservative change, it occurs at a poorly conserved position in the protein, it is predicted to be benign by multiple in silico algorithms, and/or has population frequency not consistent with disease.